The following is an entry in ClinVar:

ClinVar aggregate classification (germline): Uncertain significance. Review status: criteria provided, multiple submitters, no conflicts (2 of 4 stars). 5 submissions from 5 submitters: Uncertain significance (4). 1 of the submissions does not count toward it. Last evaluated 2025-01-02.

Conditions:
Temtamy syndrome (TEMTYS). Also called: MENTAL RETARDATION WITH OR WITHOUT CRANIOFACIAL DYSMORPHISM, OCULAR COLOBOMA, OR ABNORMAL CORPUS CALLOSUM. Identifiers: Orphanet 1777, MedGen C1857512, MONDO:0009033, OMIM 218340.
C12orf57-related disorder. Also called: C12orf57-related condition.
Inborn genetic diseases. Identifiers: MedGen C0950123, MeSH D030342.

Allele frequency attached by ClinVar (database versions not stated): gnomAD 0.00013; ExAC 0.00017; TOPMed 0.00018; ESP Exome Variant Server 0.00031.
gnomAD v4.1: 884 of 1,612,100 alleles (0.055%); highest among the groups gnomAD compares: Non-Finnish European, 0.072%; 1 homozygote.

Submissions (5):

Revvity Omics, Revvity
Classification: Uncertain significance for Temtamy syndrome. Last evaluated: 2025-01-02. Review status: criteria provided, single submitter. Criteria: ACMG Guidelines, 2015. Collection method: clinical testing. Allele origin: germline.

GeneDx
Classification: Uncertain significance. Last evaluated: 2024-08-20. Review status: criteria provided, single submitter. Criteria: GeneDx Variant Classification Process June 2021. Collection method: clinical testing. Allele origin: germline. Affected: yes.
Comment: In silico analysis supports that this missense variant does not alter protein structure/function; Has not been previously published as pathogenic or benign to our knowledge in association with C12orf57-related disorders to our knowledge; This variant is associated with the following publications: (PMID: 26740555, 30894629, 28719003)

Labcorp Genetics (formerly Invitae), Labcorp
Classification: Uncertain significance for Temtamy syndrome. Last evaluated: 2024-01-30. Review status: criteria provided, single submitter. Criteria: Invitae Variant Classification Sherloc (09022015). Collection method: clinical testing. Allele origin: germline.
Comment: This sequence change replaces alanine, which is neutral and non-polar, with valine, which is neutral and non-polar, at codon 21 of the C12orf57 protein (p.Ala21Val). This variant is present in population databases (rs146024802, gnomAD 0.04%). This variant has not been reported in the literature in individuals affected with C12orf57-related conditions. ClinVar contains an entry for this variant (Variation ID: 466311). An algorithm developed to predict the effect of missense changes on protein structure and function (PolyPhen-2) suggests that this variant is likely to be disruptive. In summary, the available evidence is currently insufficient to determine the role of this variant in disease. Therefore, it has been classified as a Variant of Uncertain Significance.

Ambry Genetics
Classification: Uncertain significance for Inborn genetic diseases. Last evaluated: 2021-02-24. Review status: criteria provided, single submitter. Criteria: Ambry Variant Classification Scheme 2023. Collection method: clinical testing. Allele origin: germline.

PreventionGenetics, part of Exact Sciences
Classification: Uncertain significance for C12orf57-related condition. Last evaluated: 2024-03-16. Review status: no assertion criteria provided. Collection method: clinical testing. Allele origin: germline. Not counted in ClinVar's aggregate classification.
Comment: The C12orf57 c.62C>T variant is predicted to result in the amino acid substitution p.Ala21Val. To our knowledge, this variant has not been reported in the literature. This variant is reported in 0.039% of alleles in individuals of European (Non-Finnish) descent in gnomAD. At this time, the clinical significance of this variant is uncertain due to the absence of conclusive functional and genetic evidence.

NM_138425.4(C12orf57):c.62C>T (p.Ala21Val)

Gene: C12orf57 (chromosome 12 open reading frame 57; plus strand). Cytogenetic location: 12p13.31.
Variant type: single nucleotide variant.
Coding change: c.62C>T on transcript NM_138425.4 (MANE Select); coding-DNA position 62, C replaced by T.
Protein change: p.Ala21Val; replaces alanine 21 with valine.
Molecular consequence: missense variant. On other transcripts: 5 prime UTR variant (1), non-coding transcript variant (1).
Genome position (GRCh38, 1-based): chr12:6,944,485, C>T. VCF-style: chr12-6944485-C-T. GRCh37 (hg19) VCF-style: chr12-7053648-C-T.
Other names: c.62C>T, p.Ala21Val (NM_001301834.1, NM_001301837.2); c.23C>T, p.Ala8Val (NM_001301836.2); c.-44C>T (NM_001301838.2); short protein forms A21V, A8V.
Identifiers: ClinVar variation 466311 (VCV000466311.13), dbSNP rs146024802, ClinGen allele CA6421249.